The following is an entry in ClinVar:

NM_001364905.1(LRBA):c.1372G>A (p.Val458Ile)

Gene: LRBA (LPS responsive beige-like anchor protein; minus strand). Cytogenetic location: 4q31.3.
Variant type: single nucleotide variant.
Coding change: c.1372G>A on transcript NM_001364905.1 (MANE Select); coding-DNA position 1372, G replaced by A.
Protein change: p.Val458Ile; replaces valine 458 with isoleucine.
Molecular consequence: missense variant.
Genome position (GRCh38, 1-based): chr4:150,908,455, C>T on the plus strand (G>A on the coding strand, the complement: LRBA is on the minus strand). VCF-style: chr4-150908455-C-T. GRCh37 (hg19) VCF-style: chr4-151829607-C-T.
Other names: c.1372G>A, p.Val458Ile (NM_001199282.3, NM_001367550.1, NM_006726.5); short protein forms V458I.
Identifiers: ClinVar variation 594579 (VCV000594579.22), dbSNP rs765483951, ClinGen allele CA3103592.

ClinVar aggregate classification (germline): Uncertain significance. Review status: criteria provided, multiple submitters, no conflicts (2 of 4 stars). 4 submissions from 4 submitters: Uncertain significance (4). Last evaluated 2025-11-24.

Conditions:
Inborn genetic diseases. Identifiers: MedGen C0950123, MeSH D030342.
Combined immunodeficiency due to LRBA deficiency. Also called: Common variable immunodeficiency 8, with autoimmunity. Identifiers: Orphanet 445018, MedGen C3553512, MONDO:0013863, OMIM 614700.

Allele frequency attached by ClinVar (database versions not stated): gnomAD exomes 0.00002 and 0.00008; TOPMed 0.00006; ExAC 0.00008.
gnomAD v4.1: 27 of 1,598,658 alleles (0.0017%); highest among the groups gnomAD compares: Admixed American, 0.047%; no homozygotes.

Submissions (4):

Labcorp Genetics (formerly Invitae), Labcorp
Classification: Uncertain significance for Combined immunodeficiency due to LRBA deficiency. Last evaluated: 2025-11-24. Review status: criteria provided, single submitter. Criteria: Invitae Variant Classification Sherloc (09022015). Collection method: clinical testing. Allele origin: germline.
Comment: This sequence change replaces valine, which is neutral and non-polar, with isoleucine, which is neutral and non-polar, at codon 458 of the LRBA protein (p.Val458Ile). This variant is present in population databases (rs765483951, gnomAD 0.06%). This variant has not been reported in the literature in individuals affected with LRBA-related conditions. ClinVar contains an entry for this variant (Variation ID: 594579). An algorithm developed to predict the effect of missense changes on protein structure and function (PolyPhen-2) suggests that this variant is likely to be tolerated. In summary, the available evidence is currently insufficient to determine the role of this variant in disease. Therefore, it has been classified as a Variant of Uncertain Significance.

CeGaT Center for Human Genetics Tuebingen
Classification: Uncertain significance. Last evaluated: 2025-03-01. Review status: criteria provided, single submitter. Criteria: CeGaT Center For Human Genetics Tuebingen Variant Classification Criteria Version 2. Collection method: clinical testing. Allele origin: germline. Affected: yes. Observed: 1 variant allele.
Comment: LRBA: PM2

Ambry Genetics
Classification: Uncertain significance for Inborn genetic diseases. Last evaluated: 2025-01-24. Review status: criteria provided, single submitter. Criteria: Ambry Variant Classification Scheme 2023. Collection method: clinical testing. Allele origin: germline.

Eurofins Ntd Llc (ga)
Classification: Uncertain significance. Last evaluated: 2017-10-25. Review status: criteria provided, single submitter. Criteria: EGL Classification Definitions 2015. Collection method: clinical testing. Allele origin: germline. Observed: 1 variant allele, 1 heterozygote.